The following is an entry in ClinVar:

NM_030933.4(SHCBP1L):c.1340T>C (p.Val447Ala)

Gene: SHCBP1L (SHC binding and spindle associated 1 like; minus strand). Cytogenetic location: 1q25.3.
Variant type: single nucleotide variant.
Coding change: c.1340T>C on transcript NM_030933.4 (MANE Select); coding-DNA position 1340, T replaced by C.
Protein change: p.Val447Ala; replaces valine 447 with alanine.
Molecular consequence: missense variant.
Genome position (GRCh38, 1-based): chr1:182,904,427, A>G on the plus strand (T>C on the coding strand, the complement: SHCBP1L is on the minus strand). VCF-style: chr1-182904427-A-G. GRCh37 (hg19) VCF-style: chr1-182873562-A-G.
Other names: c.983T>C, p.Val328Ala (NM_001345928.2); short protein forms V328A, V447A.
Identifiers: ClinVar variation 2639621 (VCV002639621.24), dbSNP rs143434276, ClinGen allele CA1280360.

ClinVar aggregate classification (germline): Likely benign (1 of 4 stars; one submission).

Allele frequency attached by ClinVar (database versions not stated): 1000 Genomes Project 30x 0.00297; 1000 Genomes Project 0.00319; TOPMed 0.00416; ESP Exome Variant Server 0.00569; ExAC 0.00626; gnomAD 0.00664; gnomAD exomes 0.00707.
gnomAD v4.1: 11,261 of 1,613,378 alleles (0.7%); highest among the groups gnomAD compares: Non-Finnish European, 0.73%; 77 homozygotes.

Submission:

CeGaT Center for Human Genetics Tuebingen
Classification: Likely benign. Last evaluated: 2022-04-01. Review status: criteria provided, single submitter. Criteria: CeGaT Center For Human Genetics Tuebingen Variant Classification Criteria Version 2. Collection method: clinical testing. Allele origin: germline. Affected: yes. Observed: 1 variant allele.
Comment: SHCBP1L: BP4, BS2